The following is an entry in ClinVar:

NM_000059.4(BRCA2):c.1660T>C (p.Cys554Arg)

Gene: BRCA2 (BRCA2 DNA repair associated; plus strand). Cytogenetic location: 13q13.1.
Variant type: single nucleotide variant.
Coding change: c.1660T>C on transcript NM_000059.4 (MANE Select); coding-DNA position 1660, T replaced by C.
Protein change: p.Cys554Arg; replaces cysteine 554 with arginine.
Molecular consequence: missense variant.
Genome position (GRCh38, 1-based): chr13:32,333,138, T>C. VCF-style: chr13-32333138-T-C. GRCh37 (hg19) VCF-style: chr13-32907275-T-C.
Other names: short protein forms C554R.
Identifiers: ClinVar variation 1696048 (VCV001696048.6), dbSNP rs786202149, ClinGen allele CA387765029.

ClinVar aggregate classification (germline): Conflicting classifications of pathogenicity. Review status: criteria provided, conflicting classifications (1 of 4 stars). 4 submissions from 4 submitters: Uncertain significance (3); Likely benign (1). Last evaluated 2025-03-10.

Conditions:
Hereditary cancer-predisposing syndrome. Also called: Neoplastic Syndromes, Hereditary; Hereditary Cancer Syndrome; Tumor predisposition; Hereditary neoplastic syndrome. Identifiers: Orphanet 140162, MedGen C0027672, MeSH D009386, MONDO:0015356.
Breast-ovarian cancer, familial, susceptibility to, 2 (BROVCA2). Also called: BRCA2 Hereditary Breast and Ovarian Cancer. Identifiers: Orphanet 145, MedGen C2675520, MONDO:0012933, OMIM 612555. Disease mechanism: loss of function.

gnomAD v4.1: 1 of 1,614,152 alleles (0.000062%); no homozygotes.

Submissions (4):

Color Diagnostics, LLC DBA Color Health
Classification: Uncertain significance for Hereditary cancer-predisposing syndrome. Last evaluated: 2025-03-10. Review status: criteria provided, single submitter. Criteria: ACMG Guidelines, 2015. Collection method: clinical testing. Allele origin: germline.
Comment: This missense variant replaces cysteine with arginine at codon 554 of the BRCA2 protein. Computational prediction suggests that this variant may not impact protein structure and function. To our knowledge, functional studies have not been reported for this variant. This variant has not been reported in individuals affected with hereditary cancer in the literature. This variant has not been identified in the general population by the Genome Aggregation Database (gnomAD). The available evidence is insufficient to determine the role of this variant in disease conclusively. Therefore, this variant is classified as a Variant of Uncertain Significance.

All of Us Research Program, National Institutes of Health
Classification: Uncertain significance for Breast-ovarian cancer, familial, susceptibility to, 2. Last evaluated: 2023-12-18. Review status: criteria provided, single submitter. Criteria: ACMG Guidelines, 2015. Collection method: clinical testing. Allele origin: germline. Inheritance: Autosomal dominant inheritance. Observed: 1 variant allele, 1 heterozygote.
Comment: This missense variant replaces cysteine with arginine at codon 554 of the BRCA2 protein. Computational prediction suggests that this variant may not impact protein structure and function (internally defined REVEL score threshold <= 0.5, PMID: 27666373). To our knowledge, functional studies have not been reported for this variant. This variant has not been reported in individuals affected with hereditary cancer in the literature. This variant has not been identified in the general population by the Genome Aggregation Database (gnomAD). The available evidence is insufficient to determine the role of this variant in disease conclusively. Therefore, this variant is classified as a Variant of Uncertain Significance.

This study involves interpretation of variants in research participants for the purpose of population health screening. Participant phenotype was not available at the time of variant classification. Additional details can be found in publication PMID: 35346344, PMCID: PMC8962531

University of Washington Department of Laboratory Medicine, University of Washington
Classification: Likely benign for Hereditary cancer-predisposing syndrome. Last evaluated: 2023-03-23. Review status: criteria provided, single submitter. Criteria: Dines et al. (Genet Med. 2020). Collection method: curation. Allele origin: germline.
Comment: Missense variant in a coldspot region where missense variants are very unlikely to be pathogenic (PMID:31911673).

BRCA2 exon 10 coldspot. Reclassification based on statistical prior probability.

Women's Health and Genetics/Laboratory Corporation of America, LabCorp
Classification: Uncertain significance. Last evaluated: 2022-05-04. Review status: criteria provided, single submitter. Criteria: LabCorp Variant Classification Summary - May 2015. Collection method: clinical testing. Allele origin: germline.
Comment: Variant summary: BRCA2 c.1660T>C (p.Cys554Arg) results in a non-conservative amino acid change in the encoded protein sequence. Three of five in-silico tools predict a benign effect of the variant on protein function. The variant was absent in 251198 control chromosomes. The available data on variant occurrences in the general population are insufficient to allow any conclusion about variant significance. To our knowledge, no occurrence of c.1660T>C in individuals affected with Hereditary Breast And Ovarian Cancer Syndrome and no experimental evidence demonstrating its impact on protein function have been reported. No clinical diagnostic laboratories have submitted clinical-significance assessments for this variant to ClinVar after 2014. Based on the evidence outlined above, the variant was classified as uncertain significance.